The following is an entry in ClinVar:

ClinVar aggregate classification (germline): Uncertain significance. Review status: criteria provided, multiple submitters, no conflicts (2 of 4 stars). 3 submissions from 3 submitters: Uncertain significance (3). Last evaluated 2022-01-31.

Conditions:
Autosomal recessive limb-girdle muscular dystrophy type 2J (LGMDR10). Also called: MUSCULAR DYSTROPHY, LIMB-GIRDLE, AUTOSOMAL RECESSIVE 10; Limb-girdle muscular dystrophy, type 2J. Identifiers: Orphanet 140922, MedGen C1837342, MONDO:0012127, OMIM 608807.

Submissions (3):

GeneDx
Classification: Uncertain significance. Last evaluated: 2022-01-31. Review status: criteria provided, single submitter. Criteria: GeneDx Variant Classification Process June 2021. Collection method: clinical testing. Allele origin: germline. Affected: yes.
Comment: Not observed at significant frequency in large population cohorts (gnomAD); Missense variant in a gene in which most reported pathogenic variants are truncating/loss-of-function; Has not been previously published as pathogenic or benign to our knowledge; This variant is associated with the following publications: (PMID: 23975875)

Mayo Clinic Laboratories, Mayo Clinic
Classification: Uncertain significance. Last evaluated: 2021-11-12. Review status: criteria provided, single submitter. Criteria: ACMG Guidelines, 2015. Collection method: clinical testing. Allele origin: germline.

Baylor Genetics
Classification: Uncertain significance for Autosomal recessive limb-girdle muscular dystrophy type 2J. Last evaluated: 2020-05-05. Review status: criteria provided, single submitter. Criteria: ACMG Guidelines, 2015. Collection method: clinical testing. Allele origin: unknown. Affected: yes.
Comment: This variant was determined to be of uncertain significance according to ACMG Guidelines, 2015 [PMID:25741868].

NM_001267550.2(TTN):c.10255_10256delinsGA (p.Ser3419Asp)

Gene: TTN (titin; minus strand). Cytogenetic location: 2q31.2.
Variant type: Indel.
Coding change: c.10255_10256delinsGA on transcript NM_001267550.2 (MANE Select); coding-DNA positions 10255 to 10256, AG replaced by GA.
Protein change: p.Ser3419Asp; replaces serine 3419 with aspartic acid.
Molecular consequence: missense variant.
Genome position (GRCh38, 1-based): chr2:178,759,031-178,759,032, CT replaced by TC on the plus strand (AG replaced by GA on the coding strand, the reverse complement: TTN is on the minus strand). VCF-style: chr2-178759031-CT-TC. GRCh37 (hg19) VCF-style: chr2-179623758-CT-TC.
Other names: p.Ser3419Asp; c.10255_10256delinsGA, p.Ser3419Asp (NM_001256850.1, NM_133378.4, NM_133379.5); c.10117_10118delinsGA, p.Ser3373Asp (NM_003319.4, NM_133432.3, NM_133437.4); c.10255_10256delinsGA (NM_001267550.1); short protein forms S3373D, S3419D.
Identifiers: ClinVar variation 1029073 (VCV001029073.7), dbSNP rs2088203924, ClinGen allele CA1310610073.